The following is an entry in ClinVar:

NM_017849.4(TMEM127):c.130C>T (p.Leu44=)

Gene: TMEM127 (transmembrane protein 127; minus strand). Cytogenetic location: 2q11.2.
Variant type: single nucleotide variant.
Coding change: c.130C>T on transcript NM_017849.4 (MANE Select); coding-DNA position 130, C replaced by T.
Protein change: p.Leu44=; no amino-acid change (leucine 44 retained).
Molecular consequence: synonymous variant.
Genome position (GRCh38, 1-based): chr2:96,265,252, G>A on the plus strand (C>T on the coding strand, the complement: TMEM127 is on the minus strand). VCF-style: chr2-96265252-G-A. GRCh37 (hg19) VCF-style: chr2-96930990-G-A.
Other names: c.130C>T, p.Leu44= (NM_001193304.3).
Identifiers: ClinVar variation 706209 (VCV000706209.18), dbSNP rs754493061, ClinGen allele CA1777394.
Genomic context (GRCh38, chr2:96,265,252, plus strand): 5'-GGCGCGAACAGGTGCCTCCGTGGATGTGCAACCAGGCGGGCTCGGCGAGGGCAGTGCACA[G>A]CGCCGTGATAGACAGGGCGCCAGGCAGGGCCGAGGCCAGGCTACGCTCCGGCTGCTTGGG-3'
Protein context (NP_060319.1, residues 34-54): ALPGALSITA[Leu44=]CTALAEPAWL

ClinVar aggregate classification (germline): Conflicting classifications of pathogenicity. Review status: criteria provided, conflicting classifications (1 of 4 stars). 6 submissions from 6 submitters: Uncertain significance (2); Benign (1); Likely benign (3). Last evaluated 2026-07-29.

Conditions:
Hereditary pheochromocytoma and paraganglioma. Also called: Hereditary pheochromocytoma-paraganglioma; Hereditary paragangliomas and pheochromocytomas; Hereditary Paraganglioma-Pheochromocytoma Syndromes. Identifiers: Orphanet 29072, MedGen C4274332, MONDO:0017366.
Hereditary cancer-predisposing syndrome. Also called: Hereditary neoplastic syndrome; Neoplastic Syndromes, Hereditary; Tumor predisposition; Hereditary Cancer Syndrome. Identifiers: Orphanet 140162, MedGen C0027672, MeSH D009386, MONDO:0015356.

Allele frequency attached by ClinVar (database versions not stated): ExAC 0.00002; TOPMed 0.00002; gnomAD exomes 0.00001.
gnomAD v4.1: 5 of 1,592,948 alleles (0.00031%); highest among the groups gnomAD compares: Admixed American, 0.0069%; no homozygotes.

Submissions (6):

Myriad Genetics, Inc.
Classification: Benign for Hereditary pheochromocytoma and paraganglioma. Last evaluated: 2026-07-29. Review status: criteria provided, single submitter. Criteria: Myriad Autosomal Dominant, Autosomal Recessive and X-Linked Classification Criteria (2023). Collection method: clinical testing. Allele origin: unknown.
Comment: This variant is considered benign. This variant is a silent/synonymous amino acid change and it is not expected to impact splicing.

Labcorp Genetics (formerly Invitae), Labcorp
Classification: Likely benign for Hereditary pheochromocytoma and paraganglioma. Last evaluated: 2025-10-01. Review status: criteria provided, single submitter. Criteria: Invitae Variant Classification Sherloc (09022015). Collection method: clinical testing. Allele origin: germline.

Quest Diagnostics Nichols Institute San Juan Capistrano
Classification: Uncertain significance. Last evaluated: 2023-12-12. Review status: criteria provided, single submitter. Criteria: Quest Diagnostics criteria. Collection method: clinical testing. Allele origin: unknown.
Comment: The TMEM127 c.130C>T (p.Leu44=) synonymous variant has not been reported in individuals with TMEM127-related conditions in the published literature. The frequency of this variant in the general population, 0.000095 (3/31720 chromosomes (Genome Aggregation Database)), is uninformative in the assessment of its pathogenicity. Analysis of this variant using software algorithms for the prediction of the effect of nucleotide changes on splicing yielded predictions that this variant does not affect TMEM127 mRNA splicing. Based on the available information, we are unable to determine the clinical significance of this variant.

Blueprint Genetics
Classification: Likely benign. Last evaluated: 2022-10-05. Review status: criteria provided, single submitter. Criteria: ACMG Guidelines, 2015. Collection method: clinical testing. Allele origin: germline.

Sema4
Classification: Uncertain significance for Hereditary cancer-predisposing syndrome. Last evaluated: 2022-02-08. Review status: criteria provided, single submitter. Criteria: Sema4 Curation Guidelines. Collection method: curation. Allele origin: germline.
Comment: The TMEM127 c.130C>T(p.L44=) variant has not been reported in the literature to our knowledge. This variant was observed in 3/31720 chromosomes in the Latino subpopulation, according to the Genome Aggregation Database (PMID: 32461654) and has been reported in ClinVar (Variation ID: 706209). The variant is moderately conserved. In silico tools suggest that it does not disrupt splicing, though these predictions have not been confirmed by functional studies. The evidence is insufficient to meet ACMG/AMP criteria for classifying the variant as benign or pathogenic. Thus, the clinical significance of this variant is currently uncertain.

Ambry Genetics
Classification: Likely benign for Hereditary cancer-predisposing syndrome. Last evaluated: 2019-05-14. Review status: criteria provided, single submitter. Criteria: Ambry Variant Classification Scheme 2023. Collection method: clinical testing. Allele origin: germline.